The following is an entry in ClinVar:

NM_153252.5(BRWD3):c.3899G>A (p.Cys1300Tyr)

Gene: BRWD3 (bromodomain and WD repeat domain containing 3; minus strand). Cytogenetic location: Xq21.1.
Variant type: single nucleotide variant.
Coding change: c.3899G>A on transcript NM_153252.5 (MANE Select); coding-DNA position 3899, G replaced by A.
Protein change: p.Cys1300Tyr; replaces cysteine 1300 with tyrosine.
Molecular consequence: missense variant.
Genome position (GRCh38, 1-based): chrX:80,686,969, C>T on the plus strand (G>A on the coding strand, the complement: BRWD3 is on the minus strand). VCF-style: chrX-80686969-C-T. GRCh37 (hg19) VCF-style: chrX-79942468-C-T.
Other names: short protein forms C1300Y.
Identifiers: ClinVar variation 1878868 (VCV001878868.1), dbSNP rs764579901, ClinGen allele CA413613379.

ClinVar aggregate classification (germline): Uncertain significance (1 of 4 stars; one submission).

Submission:

GeneDx
Classification: Uncertain significance. Last evaluated: 2022-07-15. Review status: criteria provided, single submitter. Criteria: GeneDx Variant Classification Process June 2021. Collection method: clinical testing. Allele origin: germline. Affected: yes.
Comment: Not observed at significant frequency in large population cohorts (gnomAD); In silico analysis supports that this missense variant does not alter protein structure/function; Has not been previously published as pathogenic or benign to our knowledge